The following is an entry in ClinVar:

ClinVar aggregate classification (germline): Uncertain significance (1 of 4 stars; one submission).

Conditions:
Hereditary cancer-predisposing syndrome. Also called: Neoplastic Syndromes, Hereditary; Tumor predisposition; Hereditary Cancer Syndrome; Hereditary neoplastic syndrome. Identifiers: Orphanet 140162, MedGen C0027672, MeSH D009386, MONDO:0015356.

Submission:

Ambry Genetics
Classification: Uncertain significance for Hereditary cancer-predisposing syndrome. Last evaluated: 2014-03-24. Review status: criteria provided, single submitter. Criteria: Ambry Autosomal Dominant and X-Linked criteria (10/2015). Collection method: clinical testing. Allele origin: germline. Observed: 1 variant allele.
Comment: The p.K1489R variant (also known as c.4466A>G or 4585A>G), located in coding exon 12 of the BRCA1 gene, results from an A to G substitution at nucleotide position 4466. The lysine at codon 1489 is replaced by arginine, an amino acid with highly similar properties. This variant was not reported in population based cohorts in the following databases: Database of Single Nucleotide Polymorphisms (dbSNP), NHLBI Exome Sequencing Project (ESP), and 1000 Genomes Project.To date, this alteration has been detected with an allele frequency of approximately 0.002% (greater than 42000 alleles tested) in our clinical cohort (includes this individual). Based on protein sequence alignment, thisamino acid position is not well conserved in available vertebrate species. In addition, this alteration is predicted to be tolerated by in silico analysis.Since supporting evidence is limited at this time, the clinical significance ofp.K1489Rremains unclear.

NM_007294.4(BRCA1):c.4466A>G (p.Lys1489Arg)

Gene: BRCA1 (BRCA1 DNA repair associated; minus strand). Cytogenetic location: 17q21.31.
Variant type: single nucleotide variant.
Coding change: c.4466A>G on transcript NM_007294.4 (MANE Select); coding-DNA position 4466, A replaced by G.
Protein change: p.Lys1489Arg; replaces lysine 1489 with arginine.
Molecular consequence: missense variant. On other transcripts: non-coding transcript variant (1).
Genome position (GRCh38, 1-based): chr17:43,076,506, T>C on the plus strand (A>G on the coding strand, the complement: BRCA1 is on the minus strand). VCF-style: chr17-43076506-T-C. GRCh37 (hg19) VCF-style: chr17-41228523-T-C.
Other names: c.4385A>G, p.Lys1462Arg (NM_001407657.1, NM_001407658.1, NM_001407656.1); c.4382A>G, p.Lys1461Arg (NM_001407659.1, NM_001407660.1, NM_001407661.1 and 2 more transcripts); c.4343A>G, p.Lys1448Arg (NM_001407664.1, NM_001407665.1, NM_001407666.1 and 6 more transcripts); c.4340A>G, p.Lys1447Arg (NM_001407670.1, NM_001407671.1, NM_001407672.1 and 11 more transcripts); c.4337A>G, p.Lys1446Arg (NM_001407681.1, NM_001407682.1, NM_001407683.1 and 6 more transcripts); c.4466A>G, p.Lys1489Arg (NM_001407684.1, NM_001407854.1, NM_001407593.1 and 8 more transcripts); c.4334A>G, p.Lys1445Arg (NM_001407690.1, NM_001407691.1); c.4325A>G, p.Lys1442Arg (NM_001407692.1, NM_001407694.1, NM_001407695.1 and 13 more transcripts); and 68 more; short protein forms K1489R, K1510R, K1442R, K385R, K1192R, K1193R, K1401R, K1418R.
Identifiers: ClinVar variation 141615 (VCV000141615.4), dbSNP rs587781880, ClinGen allele CA002863.